The following is an entry in ClinVar:

ClinVar aggregate classification (germline): Uncertain significance (1 of 4 stars; one submission).

gnomAD v4.1: 1 of 1,614,028 alleles (0.000062%); highest among the groups gnomAD compares: Non-Finnish European, 0.000085%; no homozygotes.

Submission:

Labcorp Genetics (formerly Invitae), Labcorp
Classification: Uncertain significance. Last evaluated: 2025-09-19. Review status: criteria provided, single submitter. Criteria: Invitae Variant Classification Sherloc (09022015). Collection method: clinical testing. Allele origin: germline.
Comment: This sequence change replaces glutamic acid, which is acidic and polar, with alanine, which is neutral and non-polar, at codon 465 of the CAPN5 protein (p.Glu465Ala). This variant is not present in population databases (gnomAD no frequency). This variant has not been reported in the literature in individuals affected with CAPN5-related conditions. Invitae Evidence Modeling of protein sequence and biophysical properties (such as structural, functional, and spatial information, amino acid conservation, physicochemical variation, residue mobility, and thermodynamic stability) indicates that this missense variant is not expected to disrupt CAPN5 protein function with a negative predictive value of 80%. In summary, the available evidence is currently insufficient to determine the role of this variant in disease. Therefore, it has been classified as a Variant of Uncertain Significance.

NM_004055.5(CAPN5):c.1394A>C (p.Glu465Ala)

Gene: CAPN5 (calpain 5; plus strand). Cytogenetic location: 11q13.5.
Variant type: single nucleotide variant.
Coding change: c.1394A>C on transcript NM_004055.5 (MANE Select); coding-DNA position 1394, A replaced by C.
Protein change: p.Glu465Ala; replaces glutamic acid 465 with alanine.
Molecular consequence: missense variant. On other transcripts: non-coding transcript variant (1).
Genome position (GRCh38, 1-based): chr11:77,120,816, A>C. VCF-style: chr11-77120816-A-C. GRCh37 (hg19) VCF-style: chr11-76831862-A-C.
Other names: c.1514A>C, p.Glu505Ala (NM_001425321.1); c.1394A>C, p.Glu465Ala (NM_001425322.1); c.1262A>C, p.Glu421Ala (NM_001425323.1); short protein forms E465A, E421A, E505A.
Identifiers: ClinVar variation 4760265 (VCV004760265.1).